The following is an entry in ClinVar:

ClinVar aggregate classification (germline): Uncertain significance (1 of 4 stars; one submission).

Allele frequency attached by ClinVar (database versions not stated): gnomAD exomes below 0.00001.
gnomAD v4.1: 1 of 1,613,602 alleles (0.000062%); highest among the groups gnomAD compares: Non-Finnish European, 0.000085%; no homozygotes.

Submission:

Labcorp Genetics (formerly Invitae), Labcorp
Classification: Uncertain significance. Last evaluated: 2022-03-04. Review status: criteria provided, single submitter. Criteria: Invitae Variant Classification Sherloc (09022015). Collection method: clinical testing. Allele origin: germline.
Comment: This sequence change replaces leucine, which is neutral and non-polar, with serine, which is neutral and polar, at codon 1714 of the NBAS protein (p.Leu1714Ser). This variant is not present in population databases (gnomAD no frequency). This variant has not been reported in the literature in individuals affected with NBAS-related conditions. Algorithms developed to predict the effect of missense changes on protein structure and function (SIFT, PolyPhen-2, Align-GVGD) all suggest that this variant is likely to be disruptive. Algorithms developed to predict the effect of sequence changes on RNA splicing suggest that this variant may disrupt the consensus splice site. In summary, the available evidence is currently insufficient to determine the role of this variant in disease. Therefore, it has been classified as a Variant of Uncertain Significance.

NM_015909.4(NBAS):c.5141T>C (p.Leu1714Ser)

Gene: NBAS (NBAS subunit of NRZ tethering complex; minus strand). Cytogenetic location: 2p24.3.
Variant type: single nucleotide variant.
Coding change: c.5141T>C on transcript NM_015909.4 (MANE Select); coding-DNA position 5141, T replaced by C.
Protein change: p.Leu1714Ser; replaces leucine 1714 with serine.
Molecular consequence: missense variant. On other transcripts: non-coding transcript variant (1).
Genome position (GRCh38, 1-based): chr2:15,277,099, A>G on the plus strand (T>C on the coding strand, the complement: NBAS is on the minus strand). VCF-style: chr2-15277099-A-G. GRCh37 (hg19) VCF-style: chr2-15417223-A-G.
Other names: short protein forms L1714S.
Identifiers: ClinVar variation 2105886 (VCV002105886.1), dbSNP rs2528126631, ClinGen allele CA345884618.